The following is an entry in ClinVar:

NM_004304.5(ALK):c.2827G>C (p.Ala943Pro)

Gene: ALK (ALK receptor tyrosine kinase; minus strand). Cytogenetic location: 2p23.2.
Variant type: single nucleotide variant.
Coding change: c.2827G>C on transcript NM_004304.5 (MANE Select); coding-DNA position 2827, G replaced by C.
Protein change: p.Ala943Pro; replaces alanine 943 with proline.
Molecular consequence: missense variant.
Genome position (GRCh38, 1-based): chr2:29,227,661, C>G on the plus strand (G>C on the coding strand, the complement: ALK is on the minus strand). VCF-style: chr2-29227661-C-G. GRCh37 (hg19) VCF-style: chr2-29450527-C-G.
Other names: short protein forms A943P.
Identifiers: ClinVar variation 1796516 (VCV001796516.6), dbSNP rs1664046645, ClinGen allele CA346468855.

ClinVar aggregate classification (germline): Uncertain significance. Review status: criteria provided, multiple submitters, no conflicts (2 of 4 stars). 3 submissions from 3 submitters: Uncertain significance (3). Last evaluated 2025-11-30.

Conditions:
Neuroblastoma, susceptibility to, 3. Also called: ALK-Related Neuroblastic Tumor Susceptibility. Identifiers: Orphanet 635, MedGen C2751681, MONDO:0013083, OMIM 613014.
Hereditary cancer-predisposing syndrome. Also called: Neoplastic Syndromes, Hereditary; Tumor predisposition; Hereditary neoplastic syndrome; Hereditary Cancer Syndrome. Identifiers: Orphanet 140162, MedGen C0027672, MeSH D009386, MONDO:0015356.

Allele frequency attached by ClinVar (database versions not stated): TOPMed below 0.00001.

Submissions (3):

Labcorp Genetics (formerly Invitae), Labcorp
Classification: Uncertain significance for Neuroblastoma, susceptibility to, 3. Last evaluated: 2025-11-30. Review status: criteria provided, single submitter. Criteria: Invitae Variant Classification Sherloc (09022015). Collection method: clinical testing. Allele origin: germline.
Comment: This sequence change replaces alanine, which is neutral and non-polar, with proline, which is neutral and non-polar, at codon 943 of the ALK protein (p.Ala943Pro). This variant is not present in population databases (gnomAD no frequency). This variant has not been reported in the literature in individuals affected with ALK-related conditions. ClinVar contains an entry for this variant (Variation ID: 1796516). An algorithm developed to predict the effect of missense changes on protein structure and function (PolyPhen-2) suggests that this variant is likely to be disruptive. In summary, the available evidence is currently insufficient to determine the role of this variant in disease. Therefore, it has been classified as a Variant of Uncertain Significance.

Ambry Genetics
Classification: Uncertain significance for Hereditary cancer-predisposing syndrome. Last evaluated: 2024-10-21. Review status: criteria provided, single submitter. Criteria: Ambry Variant Classification Scheme 2023. Collection method: clinical testing. Allele origin: germline.
Comment: The p.A943P variant (also known as c.2827G>C), located in coding exon 17 of the ALK gene, results from a G to C substitution at nucleotide position 2827. The alanine at codon 943 is replaced by proline, an amino acid with highly similar properties. This amino acid position is conserved. In addition, the in silico prediction for this alteration is inconclusive. Since supporting evidence is limited at this time, the clinical significance of this alteration remains unclear.

Baylor Genetics
Classification: Uncertain significance for Neuroblastoma, susceptibility to, 3. Last evaluated: 2023-05-31. Review status: criteria provided, single submitter. Criteria: ACMG Guidelines, 2015. Collection method: clinical testing. Allele origin: unknown.